The following is an entry in ClinVar:

NM_006261.5(PROP1):c.1A>G (p.Met1Val)

Gene: PROP1 (PROP paired-like homeobox 1; minus strand). Cytogenetic location: 5q35.3.
Variant type: single nucleotide variant.
Coding change: c.1A>G on transcript NM_006261.5 (MANE Select); coding-DNA position 1, A replaced by G.
Protein change: p.Met1Val; changes the start codon (methionine 1).
Molecular consequence: missense variant, initiator codon variant.
Genome position (GRCh38, 1-based): chr5:177,995,933, T>C on the plus strand (A>G on the coding strand, the complement: PROP1 is on the minus strand). VCF-style: chr5-177995933-T-C. GRCh37 (hg19) VCF-style: chr5-177422934-T-C.
Other names: short protein forms M1V.
Identifiers: ClinVar variation 2729647 (VCV002729647.3), dbSNP rs2480293034, ClinGen allele CA362379638.

ClinVar aggregate classification (germline): Pathogenic (1 of 4 stars; one submission).

Allele frequency attached by ClinVar (database versions not stated): gnomAD exomes below 0.00001.

Submission:

Labcorp Genetics (formerly Invitae), Labcorp
Classification: Pathogenic. Last evaluated: 2023-12-09. Review status: criteria provided, single submitter. Criteria: Invitae Variant Classification Sherloc (09022015). Collection method: clinical testing. Allele origin: germline.
Comment: This sequence change affects the initiator methionine of the PROP1 mRNA. The next in-frame methionine is located at codon 214. This variant is not present in population databases (gnomAD no frequency). Disruption of the initiator codon has been observed in individuals with pituitary hormone deficiency (PMID: 16984240, 28734020). It has also been observed to segregate with disease in related individuals. For these reasons, this variant has been classified as Pathogenic.

Literature cited by the submitters: PubMed 16984240; PubMed 28734020.